The following is an entry in ClinVar:

NM_001267550.2(TTN):c.62459T>C (p.Ile20820Thr)

Genes: TTN (titin; minus strand), TTN-AS1 (TTN antisense RNA 1; plus strand). Cytogenetic location: 2q31.2.
Variant type: single nucleotide variant.
Coding change: c.62459T>C on transcript NM_001267550.2 (MANE Select); coding-DNA position 62459, T replaced by C.
Protein change: p.Ile20820Thr; replaces isoleucine 20820 with threonine.
Molecular consequence: missense variant.
Genome position (GRCh38, 1-based): chr2:178,589,266, A>G on the plus strand (T>C on the coding strand, the complement: TTN is on the minus strand). VCF-style: chr2-178589266-A-G. GRCh37 (hg19) VCF-style: chr2-179453993-A-G.
Other names: c.54755T>C, p.Ile18252Thr (NM_133378.4); c.57536T>C, p.Ile19179Thr (NM_001256850.1); c.35264T>C, p.Ile11755Thr (NM_003319.4); c.35639T>C, p.Ile11880Thr (NM_133432.3); c.35840T>C, p.Ile11947Thr (NM_133437.4); short protein forms I20820T, I18252T, I11947T, I11755T, I11880T, I19179T.
Identifiers: ClinVar variation 47183 (VCV000047183.11), dbSNP rs369446270, ClinGen allele CA140244.

ClinVar aggregate classification (germline): Uncertain significance. Review status: criteria provided, multiple submitters, no conflicts (2 of 4 stars). 4 submissions from 4 submitters: Uncertain significance (4). Last evaluated 2025-11-05.

Conditions:
TTN-related disorder. Also called: TTN-related condition; TTN-related disease; TTN-related disorders.

Allele frequency attached by ClinVar (database versions not stated): TOPMed 0.00002; gnomAD exomes 0.00005; gnomAD 0.00006.
gnomAD v4.1: 70 of 1,613,308 alleles (0.0043%); highest among the groups gnomAD compares: Admixed American, 0.0067%; no homozygotes.

Submissions (4):

PreventionGenetics, part of Exact Sciences
Classification: Uncertain significance for TTN-related condition. Last evaluated: 2025-11-05. Review status: criteria provided, single submitter. Criteria: ACMG Guidelines, 2015. Collection method: clinical testing. Allele origin: germline.
Comment: The TTN c.62459T>C variant is predicted to result in the amino acid substitution p.Ile20820Thr. This variant has been reported as a variant of uncertain significance in an individual with dilated cardiomyopathy (described as c.54755T>C (p.Ile18252Thr) with an alternate transcript NM_133378 in online supplementary file 2; van Lint et al. 2019. PubMed ID: 30847666). This variant is reported in 0.016% of alleles in individuals of European (Finnish) descent in gnomAD. At this time, the clinical significance of this variant is uncertain due to the absence of conclusive functional and genetic evidence.

Women's Health and Genetics/Laboratory Corporation of America, LabCorp
Classification: Uncertain significance. Last evaluated: 2024-12-24. Review status: criteria provided, single submitter. Criteria: LabCorp Variant Classification Summary - May 2015. Collection method: clinical testing. Allele origin: germline.
Comment: Variant summary: TTN c.54755T>C (p.Ile18252Thr) results in a non-conservative amino acid change located in the A-band region of the encoded protein sequence. Two of four in-silico tools predict a benign effect of the variant on protein function. The variant allele was found at a frequency of 3.6e-05 in 248644 control chromosomes. The available data on variant occurrences in the general population are insufficient to allow any conclusion about variant significance. c.54755T>C has been reported in the literature in at least one individual affected with Dilated Cardiomyopathy (van Lint_2019). These report(s) do not provide unequivocal conclusions about association of the variant with Dilated Cardiomyopathy. To our knowledge, no experimental evidence demonstrating an impact on protein function has been reported. The following publication has been ascertained in the context of this evaluation (PMID: 30847666). ClinVar contains an entry for this variant (Variation ID: 47183). Based on the evidence outlined above, the variant was classified as uncertain significance.

Eurofins Ntd Llc (ga)
Classification: Uncertain significance. Last evaluated: 2017-06-29. Review status: criteria provided, single submitter. Criteria: EGL Classification Definitions 2015. Collection method: clinical testing. Allele origin: germline. Observed: 2 variant alleles, 2 heterozygotes.

Laboratory for Molecular Medicine, Mass General Brigham Personalized Medicine
Classification: Uncertain significance. Last evaluated: 2012-11-07. Review status: criteria provided, single submitter. Criteria: LMM Criteria. Collection method: clinical testing. Allele origin: germline. Observed: 1 variant allele.
Comment: The Ile18252Thr variant in TTN has not been reported in the literature nor previ ously identified by our laboratory. This variant has been identified in 1/8252 E uropean American chromosomes from a broad population by the NHLBI Exome Sequenci ng Project. Computational analyses (biochemi cal amino acid properties, conservation, AlignGVGD, PolyPhen2, and SIFT) do not provide strong support for or against an impact to the protein. In summary, addi tional information is needed to fully assess the clinical significance of this v ariant.

Literature cited by the submitters: PubMed 30847666 (cited by Women's Health and Genetics/Laboratory Corporation of America, LabCorp).